The following is an entry in ClinVar:

ClinVar aggregate classification (germline): Uncertain significance (1 of 4 stars; one submission).

Conditions:
Cone-rod dystrophy 6 (CORD6). Also called: RETINAL CONE DYSTROPHY 2; Cone dystrophy progressive. Identifiers: Orphanet 1872, MedGen C1866293, MONDO:0011143, OMIM 601777.
Leber congenital amaurosis 1 (LCA1). Also called: AMAUROSIS CONGENITA OF LEBER I; Congenital absence of the rods and cones; Leber's congenital tapetoretinal degeneration; Leber's congenital tapetoretinal dysplasia; RETINAL BLINDNESS, CONGENITAL. Identifiers: Orphanet 65, MedGen C2931258, MONDO:0008764, OMIM 204000.

Submission:

Labcorp Genetics (formerly Invitae), Labcorp
Classification: Uncertain significance for Leber congenital amaurosis 1; Cone-rod dystrophy 6. Last evaluated: 2024-02-17. Review status: criteria provided, single submitter. Criteria: Invitae Variant Classification Sherloc (09022015). Collection method: clinical testing. Allele origin: germline.
Comment: This sequence change replaces glutamic acid, which is acidic and polar, with glycine, which is neutral and non-polar, at codon 635 of the GUCY2D protein (p.Glu635Gly). This variant is not present in population databases (gnomAD no frequency). This variant has not been reported in the literature in individuals affected with GUCY2D-related conditions. ClinVar contains an entry for this variant (Variation ID: 942797). Advanced modeling of protein sequence and biophysical properties (such as structural, functional, and spatial information, amino acid conservation, physicochemical variation, residue mobility, and thermodynamic stability) performed at Invitae indicates that this missense variant is not expected to disrupt GUCY2D protein function with a negative predictive value of 80%. In summary, the available evidence is currently insufficient to determine the role of this variant in disease. Therefore, it has been classified as a Variant of Uncertain Significance.

NM_000180.4(GUCY2D):c.1904A>G (p.Glu635Gly)

Gene: GUCY2D (guanylate cyclase 2D, retinal; plus strand). Cytogenetic location: 17p13.1.
Variant type: single nucleotide variant.
Coding change: c.1904A>G on transcript NM_000180.4 (MANE Select); coding-DNA position 1904, A replaced by G.
Protein change: p.Glu635Gly; replaces glutamic acid 635 with glycine.
Molecular consequence: missense variant.
Genome position (GRCh38, 1-based): chr17:8,012,298, A>G. VCF-style: chr17-8012298-A-G. GRCh37 (hg19) VCF-style: chr17-7915616-A-G.
Other names: short protein forms E635G.
Identifiers: ClinVar variation 942797 (VCV000942797.9), dbSNP rs1975867670, ClinGen allele CA397951734.